The following is an entry in ClinVar:

ClinVar aggregate classification (germline): Uncertain significance. Review status: criteria provided, multiple submitters, no conflicts (2 of 4 stars). 2 submissions from 2 submitters: Uncertain significance (2). Last evaluated 2024-12-05.

Conditions:
Hereditary cancer-predisposing syndrome. Also called: Hereditary Cancer Syndrome; Hereditary neoplastic syndrome; Tumor predisposition; Neoplastic Syndromes, Hereditary. Identifiers: Orphanet 140162, MedGen C0027672, MeSH D009386, MONDO:0015356.

Submissions (2):

Ambry Genetics
Classification: Uncertain significance for Hereditary cancer-predisposing syndrome. Last evaluated: 2024-12-05. Review status: criteria provided, single submitter. Criteria: Ambry Variant Classification Scheme 2023. Collection method: clinical testing. Allele origin: germline.
Comment: The c.2452_2454delCGCinsGGG variant (also known as p.R818G), located in coding exon 11 of the BLM gene, results from an in-frame deletion of CGC and insertion of GGG at nucleotide positions 2452 to 2454. This results in the substitution of the arginine residue for a glycine residue at codon 818, an amino acid with dissimilar properties. This amino acid position is highly conserved in available vertebrate species. In addition, this alteration is predicted to be deleterious by in silico analysis (Choi Y et al. PLoS ONE. 2012; 7(10):e46688). Based on the available evidence, the clinical significance of this variant remains unclear.

GeneDx
Classification: Uncertain significance. Last evaluated: 2014-02-17. Review status: criteria provided, single submitter. Criteria: GeneDx Variant Classification (06012015). Collection method: clinical testing. Allele origin: germline. Affected: yes.
Comment: Single pathogenic variants in BLM have only recently been described in association with cancer predisposition and the risks are not well understood. This variant is denoted BLM c.2452_2454delCGCinsGGG at the cDNA level and consists of a substitution of three adjacent nucleotides (CGC) with three others (GGG). At the protein level, this variant is denoted p.Arg818Gly (R818G) and results in a change from an Arginine to a Glycine (CGC>GGG). The c.2452C>G and c.2454C>G adjacent variants were determined to be on the same chromosome (in cis) by Next Generation Sequencing. This variant has not, to our knowledge, been published in the literature as pathogenic or benign. BLM c.2452_2454delCGCinsGGG was not observed in approximately 6,500 individuals of European and African American ancestry in the NHLBI Exome Sequencing Project. This variant is a non-conservative amino acid substitution, altering a position that is fully conserved throughout evolution and located within the Helicase ATPase-binding domain. Multiple in silico algorithms predict that this variant may be damaging to protein structure and function. We consider BLM c.2452_2454delCGCinsGGG to be a variant of uncertain significance. Furthermore, based on the currently available information, cancer risks associated with this variant, and with single variants in the BLM gene in general, remain unclear.

NM_000057.4(BLM):c.2452_2454delinsGGG (p.Arg818Gly)

Gene: BLM (BLM RecQ like helicase; plus strand). Cytogenetic location: 15q26.1.
Variant type: Indel.
Coding change: c.2452_2454delinsGGG on transcript NM_000057.4 (MANE Select); coding-DNA positions 2452 to 2454, CGC replaced by GGG.
Protein change: p.Arg818Gly; replaces arginine 818 with glycine.
Molecular consequence: missense variant.
Genome position (GRCh38, 1-based): chr15:90,769,483-90,769,485, CGC replaced by GGG. VCF-style: chr15-90769483-CGC-GGG. GRCh37 (hg19) VCF-style: chr15-91312713-CGC-GGG.
Other names: p.R818G:CGC>GGG; c.2452_2454delinsGGG, p.Arg818Gly (NM_001287246.2, NM_001287247.2); c.1327_1329delinsGGG, p.Arg443Gly (NM_001287248.2); c.2452_2454delCGCinsGGG (LRG_20t1); short protein forms R443G, R818G.
Identifiers: ClinVar variation 127486 (VCV000127486.7), dbSNP rs587779882, ClinGen allele CA287074.